The following is an entry in ClinVar:

ClinVar aggregate classification (germline): Conflicting classifications of pathogenicity. Review status: criteria provided, conflicting classifications (1 of 4 stars). 5 submissions from 5 submitters: Uncertain significance (2); Likely benign (3). Last evaluated 2025-07-13.

Conditions:
Hereditary cancer-predisposing syndrome. Also called: Tumor predisposition; Hereditary Cancer Syndrome; Hereditary neoplastic syndrome; Neoplastic Syndromes, Hereditary. Identifiers: Orphanet 140162, MedGen C0027672, MeSH D009386, MONDO:0015356.
Microcephaly, normal intelligence and immunodeficiency (NBS). Also called: IMMUNODEFICIENCY, MICROCEPHALY, AND CHROMOSOMAL INSTABILITY; SEEMANOVA SYNDROME II; Nijmegen breakage syndrome; Microcephaly with normal intelligence immunodeficiency and lymphoreticular malignancies; Nonsyndromal microcephaly autosomal recessive with normal intelligence; Seemanova syndrome 2. Identifiers: Orphanet 647, MedGen C0398791, MONDO:0009623, OMIM 251260.

Allele frequency attached by ClinVar (database versions not stated): gnomAD exomes below 0.00001 and 0.00001; gnomAD 0.00001; TOPMed 0.00003.
gnomAD v4.1: 7 of 1,613,910 alleles (0.00043%); highest among the groups gnomAD compares: Admixed American, 0.0067%; no homozygotes.

Submissions (5):

Laboratorio de I+D, Fundación Centro Médico de Asturias
Classification: Likely benign for Hereditary cancer-predisposing syndrome. Last evaluated: 2025-07-13. Review status: criteria provided, single submitter. Criteria: ACMG Guidelines, 2015. Collection method: clinical testing. Allele origin: germline.
Comment: BP4_Strong+BP1+PM2_Supporting

Quest Diagnostics Nichols Institute San Juan Capistrano
Classification: Uncertain significance. Last evaluated: 2025-03-07. Review status: criteria provided, single submitter. Criteria: Quest Diagnostics criteria. Collection method: clinical testing. Allele origin: unknown.
Comment: The NBN c.286G>A (p.Gly96Ser) variant has been reported in the published literature in an individual with breast cancer as well as reportedly healthy individual (PMID: 33471991 (2021), see also LOVD). The frequency of this variant in the general population (Genome Aggregation Database) is uninformative in the assessment of its pathogenicity. Analysis of this variant using bioinformatics tools for the prediction of the effect of amino acid changes on protein structure and function yielded predictions that this variant is benign. Based on the available information, we are unable to determine the clinical significance of this variant.

Labcorp Genetics (formerly Invitae), Labcorp
Classification: Uncertain significance for Microcephaly, normal intelligence and immunodeficiency. Last evaluated: 2024-12-30. Review status: criteria provided, single submitter. Criteria: Invitae Variant Classification Sherloc (09022015). Collection method: clinical testing. Allele origin: germline.
Comment: This sequence change replaces glycine, which is neutral and non-polar, with serine, which is neutral and polar, at codon 96 of the NBN protein (p.Gly96Ser). This variant is present in population databases (rs730882133, gnomAD 0.006%). This variant has not been reported in the literature in individuals affected with NBN-related conditions. ClinVar contains an entry for this variant (Variation ID: 183076). An algorithm developed to predict the effect of missense changes on protein structure and function outputs the following: PolyPhen-2: "Benign". The serine amino acid residue is found in multiple mammalian species, which suggests that this missense change does not adversely affect protein function. In summary, the available evidence is currently insufficient to determine the role of this variant in disease. Therefore, it has been classified as a Variant of Uncertain Significance.

Genome-Nilou Lab
Classification: Likely benign for Microcephaly, normal intelligence and immunodeficiency. Last evaluated: 2021-11-07. Review status: criteria provided, single submitter. Criteria: ACMG Guidelines, 2015. Collection method: clinical testing. Allele origin: germline. Affected: no.

Ambry Genetics
Classification: Likely benign for Hereditary cancer-predisposing syndrome. Last evaluated: 2019-03-21. Review status: criteria provided, single submitter. Criteria: Ambry Variant Classification Scheme 2023. Collection method: clinical testing. Allele origin: germline.

Literature cited by the submitters: PubMed 33471991 (cited by Quest Diagnostics Nichols Institute San Juan Capistrano).

NM_002485.5(NBN):c.286G>A (p.Gly96Ser)

Gene: NBN (nibrin; minus strand). Cytogenetic location: 8q21.3.
Variant type: single nucleotide variant.
Coding change: c.286G>A on transcript NM_002485.5 (MANE Select); coding-DNA position 286, G replaced by A.
Protein change: p.Gly96Ser; replaces glycine 96 with serine.
Molecular consequence: missense variant.
Genome position (GRCh38, 1-based): chr8:89,981,409, C>T on the plus strand (G>A on the coding strand, the complement: NBN is on the minus strand). VCF-style: chr8-89981409-C-T. GRCh37 (hg19) VCF-style: chr8-90993637-C-T.
Other names: c.40G>A, p.Gly14Ser (NM_001024688.3); short protein forms G96S, G14S.
Identifiers: ClinVar variation 183076 (VCV000183076.21), dbSNP rs730882133, ClinGen allele CA333815.